The following is an entry in ClinVar:

NM_001002295.2(GATA3):c.1033T>C (p.Tyr345His)

Gene: GATA3 (GATA binding protein 3; plus strand). Cytogenetic location: 10p14.
Variant type: single nucleotide variant.
Coding change: c.1033T>C on transcript NM_001002295.2 (MANE Select); coding-DNA position 1033, T replaced by C.
Protein change: p.Tyr345His; replaces tyrosine 345 with histidine.
Molecular consequence: missense variant.
Genome position (GRCh38, 1-based): chr10:8,069,581, T>C. VCF-style: chr10-8069581-T-C. GRCh37 (hg19) VCF-style: chr10-8111544-T-C.
Other names: c.1033T>C, p.Tyr345His (NM_001441115.1, NM_001441116.1, NM_001441117.1 and 9 more transcripts); c.1030T>C, p.Tyr344His (NM_001441124.1, NM_001441125.1, NM_001441126.1 and 5 more transcripts); c.887T>C, p.Leu296Pro (NM_001441134.1); c.154T>C, p.Tyr52His (NM_001441135.1); short protein forms L296P, Y344H, Y345H, Y52H.
Identifiers: ClinVar variation 4535128 (VCV004535128.6).

ClinVar aggregate classification (germline): Likely pathogenic (1 of 4 stars; one submission).

Submission:

CeGaT Center for Human Genetics Tuebingen
Classification: Likely pathogenic. Last evaluated: 2025-11-01. Review status: criteria provided, single submitter. Criteria: CeGaT Center For Human Genetics Tuebingen Variant Classification Criteria Version 2. Collection method: clinical testing. Allele origin: germline. Affected: yes. Observed: 2 variant alleles.
Comment: GATA3: PM1, PM2, PP2, PP3